The following is an entry in ClinVar:

ClinVar aggregate classification (germline): Uncertain significance. Review status: criteria provided, multiple submitters, no conflicts (2 of 4 stars). 3 submissions from 3 submitters: Uncertain significance (3). Last evaluated 2025-05-11.

Conditions:
Hereditary cancer-predisposing syndrome. Also called: Neoplastic Syndromes, Hereditary; Tumor predisposition; Hereditary neoplastic syndrome; Hereditary Cancer Syndrome. Identifiers: Orphanet 140162, MedGen C0027672, MeSH D009386, MONDO:0015356.
Intellectual disability, autosomal dominant 16 (CSS4). Also called: COFFIN-SIRIS SYNDROME 4. Identifiers: Orphanet 1465, MedGen C3553249, MONDO:0013821, OMIM 614609.
Rhabdoid tumor predisposition syndrome 2 (RTPS2). Identifiers: Orphanet 231108, Orphanet 69077, MedGen C2750074, MONDO:0013224, OMIM 613325.

Allele frequency attached by ClinVar (database versions not stated): gnomAD exomes below 0.00001; TOPMed below 0.00001; gnomAD 0.00001.
gnomAD v4.1: 2 of 1,613,902 alleles (0.00012%); highest among the groups gnomAD compares: Non-Finnish European, 0.00017%; no homozygotes.

Submissions (3):

Labcorp Genetics (formerly Invitae), Labcorp
Classification: Uncertain significance for Rhabdoid tumor predisposition syndrome 2. Last evaluated: 2025-05-11. Review status: criteria provided, single submitter. Criteria: Invitae Variant Classification Sherloc (09022015). Collection method: clinical testing. Allele origin: germline.
Comment: This sequence change replaces valine, which is neutral and non-polar, with alanine, which is neutral and non-polar, at codon 829 of the SMARCA4 protein (p.Val829Ala). This variant is not present in population databases (gnomAD no frequency). This variant has not been reported in the literature in individuals affected with SMARCA4-related conditions. ClinVar contains an entry for this variant (Variation ID: 644128). Invitae Evidence Modeling of protein sequence and biophysical properties (such as structural, functional, and spatial information, amino acid conservation, physicochemical variation, residue mobility, and thermodynamic stability) has been performed for this missense variant. However, the output from this modeling did not meet the statistical confidence thresholds required to predict the impact of this variant on SMARCA4 protein function. In summary, the available evidence is currently insufficient to determine the role of this variant in disease. Therefore, it has been classified as a Variant of Uncertain Significance.

Genome-Nilou Lab
Classification: Uncertain significance for Intellectual disability, autosomal dominant 16. Last evaluated: 2021-07-15. Review status: criteria provided, single submitter. Criteria: ACMG Guidelines, 2015. Collection method: clinical testing. Allele origin: germline. Affected: no.

Ambry Genetics
Classification: Uncertain significance for Hereditary cancer-predisposing syndrome. Last evaluated: 2021-06-15. Review status: criteria provided, single submitter. Criteria: Ambry Variant Classification Scheme 2023. Collection method: clinical testing. Allele origin: germline.
Comment: The p.V829A variant (also known as c.2486T>C), located in coding exon 16 of the SMARCA4 gene, results from a T to C substitution at nucleotide position 2486. The valine at codon 829 is replaced by alanine, an amino acid with similar properties. Missense and in-frame variants in SMARCA4 are known to cause neurodevelopmental disorders; however, such associations with rhabdoid tumor predisposition syndrome including small cell carcinoma of the ovary-hypercalcemic type (SCCOHT) are exceedingly rare (Kosho T et al. Am J Med Genet C Semin Med Genet. 2014 Sep;166C(3):262-75; Jelinic P et al. Nat Genet. 2014 May;46(5):424-6). This amino acid position is highly conserved in available vertebrate species. In addition, this alteration is predicted to be deleterious by in silico analysis. Since supporting evidence is limited at this time, the clinical significance of this alteration remains unclear.

NM_003072.5(SMARCA4):c.2486T>C (p.Val829Ala)

Gene: SMARCA4 (SWI/SNF related BAF chromatin remodeling complex subunit ATPase 4; plus strand). Cytogenetic location: 19p13.2.
Variant type: single nucleotide variant.
Coding change: c.2486T>C on transcript NM_003072.5 (MANE Select); coding-DNA position 2486, T replaced by C.
Protein change: p.Val829Ala; replaces valine 829 with alanine.
Molecular consequence: missense variant. On other transcripts: non-coding transcript variant (1).
Genome position (GRCh38, 1-based): chr19:11,019,004, T>C. VCF-style: chr19-11019004-T-C. GRCh37 (hg19) VCF-style: chr19-11129680-T-C.
Other names: c.2486T>C, p.Val829Ala (NM_001128844.3, NM_001128845.2, NM_001128846.2 and 5 more transcripts); short protein forms V829A.
Identifiers: ClinVar variation 644128 (VCV000644128.15), dbSNP rs1455752885, ClinGen allele CA404053711.